The following is an entry in ClinVar:

NM_030632.3(ASXL3):c.5215C>T (p.Arg1739Cys)

Gene: ASXL3 (ASXL transcriptional regulator 3; plus strand). Cytogenetic location: 18q12.1.
Variant type: single nucleotide variant.
Coding change: c.5215C>T on transcript NM_030632.3 (MANE Select); coding-DNA position 5215, C replaced by T.
Protein change: p.Arg1739Cys; replaces arginine 1739 with cysteine.
Molecular consequence: missense variant.
Genome position (GRCh38, 1-based): chr18:33,745,063, C>T. VCF-style: chr18-33745063-C-T. GRCh37 (hg19) VCF-style: chr18-31325027-C-T.
Other names: short protein forms R1739C.
Identifiers: ClinVar variation 2648658 (VCV002648658.24), dbSNP rs376309030, ClinGen allele CA8934395.

ClinVar aggregate classification (germline): Uncertain significance (1 of 4 stars; one submission).

Allele frequency attached by ClinVar (database versions not stated): ESP Exome Variant Server 0.00008; ExAC 0.00001.
gnomAD v4.1: 6 of 1,613,986 alleles (0.00037%); highest among the groups gnomAD compares: Admixed American, 0.0017%; no homozygotes.

Submission:

CeGaT Center for Human Genetics Tuebingen
Classification: Uncertain significance. Last evaluated: 2023-01-01. Review status: criteria provided, single submitter. Criteria: CeGaT Center For Human Genetics Tuebingen Variant Classification Criteria Version 2. Collection method: clinical testing. Allele origin: germline. Affected: yes. Observed: 1 variant allele.
Comment: ASXL3: PM2